The following is an entry in ClinVar:

NM_005236.3(ERCC4):c.689T>C (p.Leu230Pro)

Gene: ERCC4 (ERCC excision repair 4, endonuclease catalytic subunit; plus strand). Cytogenetic location: 16p13.12.
Variant type: single nucleotide variant.
Coding change: c.689T>C on transcript NM_005236.3 (MANE Select); coding-DNA position 689, T replaced by C.
Protein change: p.Leu230Pro; replaces leucine 230 with proline.
Molecular consequence: missense variant.
Genome position (GRCh38, 1-based): chr16:13,928,132, T>C. VCF-style: chr16-13928132-T-C. GRCh37 (hg19) VCF-style: chr16-14021989-T-C.
Other names: short protein forms L230P.
Identifiers: ClinVar variation 55826 (VCV000055826.3), dbSNP rs397509402, ClinGen allele CA143936.

ClinVar aggregate classification (germline): Pathogenic. Review status: no assertion criteria provided (0 of 4 stars). 2 submissions from 2 submitters: Pathogenic (2). Last evaluated 2014-10-03.

Conditions:
Fanconi anemia complementation group Q. Identifiers: Orphanet 84, MedGen C3808988, MONDO:0014108, OMIM 615272.

Allele frequency attached by ClinVar (database versions not stated): gnomAD exomes below 0.00001.

Submissions (2):

Leiden Open Variation Database
Classification: Pathogenic for Fanconi anemia complementation group Q. Last evaluated: 2014-10-03. Review status: no assertion criteria provided. Collection method: curation. Allele origin: germline. Affected: yes.
Comment: Curator: Arleen D. Auerbach. Submitter to LOVD: Arleen D. Auerbach.

OMIM
Classification: Pathogenic for FANCONI ANEMIA, COMPLEMENTATION GROUP Q. Last evaluated: 2013-05-02. Review status: no assertion criteria provided. Collection method: literature only. Allele origin: germline.

Literature cited by the submitters: PubMed 23623386 (cited by Leiden Open Variation Database and OMIM).